The following is an entry in ClinVar:

NM_005518.4(HMGCS2):c.603C>T (p.Pro201=)

Gene: HMGCS2 (3-hydroxy-3-methylglutaryl-CoA synthase 2; minus strand). Cytogenetic location: 1p12.
Variant type: single nucleotide variant.
Coding change: c.603C>T on transcript NM_005518.4 (MANE Select); coding-DNA position 603, C replaced by T.
Protein change: p.Pro201=; no amino-acid change (proline 201 retained).
Molecular consequence: synonymous variant. On other transcripts: intron variant (1).
Genome position (GRCh38, 1-based): chr1:119,759,946, G>A on the plus strand (C>T on the coding strand, the complement: HMGCS2 is on the minus strand). VCF-style: chr1-119759946-G-A. GRCh37 (hg19) VCF-style: chr1-120302569-G-A.
Other names: c.560-664C>T (NM_001166107.1).
Identifiers: ClinVar variation 3058296 (VCV003058296.2), dbSNP rs2464266480, ClinGen allele CA420026820.

ClinVar aggregate classification (germline): Likely benign (0 of 4 stars; one submission).

Conditions:
HMGCS2-related disorder. Also called: HMGCS2-related condition.

Submission:

PreventionGenetics, part of Exact Sciences
Classification: Likely benign for HMGCS2-related condition. Last evaluated: 2019-04-25. Review status: no assertion criteria provided. Collection method: clinical testing. Allele origin: germline.
Comment: This variant is classified as likely benign based on ACMG/AMP sequence variant interpretation guidelines (Richards et al. 2015 PMID: 25741868, with internal and published modifications).